The following is an entry in ClinVar:

NM_001367624.2(ZNF469):c.7069G>A (p.Gly2357Ser)

Gene: ZNF469 (zinc finger protein 469; plus strand). Cytogenetic location: 16q24.2.
Variant type: single nucleotide variant.
Coding change: c.7069G>A on transcript NM_001367624.2 (MANE Select); coding-DNA position 7069, G replaced by A.
Protein change: p.Gly2357Ser; replaces glycine 2357 with serine.
Molecular consequence: missense variant.
Genome position (GRCh38, 1-based): chr16:88,434,539, G>A. VCF-style: chr16-88434539-G-A. GRCh37 (hg19) VCF-style: chr16-88500947-G-A.
Other names: NM_001127464.1:c.6985G>A; short protein forms G2357S.
Identifiers: ClinVar variation 1756441 (VCV001756441.3), dbSNP rs1906430761, ClinGen allele CA397108417.

ClinVar aggregate classification (germline): Uncertain significance. Review status: criteria provided, multiple submitters, no conflicts (2 of 4 stars). 2 submissions from 2 submitters: Uncertain significance (2). Last evaluated 2024-11-04.

Conditions:
Cardiovascular phenotype. Identifiers: MedGen CN230736.

Allele frequency attached by ClinVar (database versions not stated): gnomAD exomes below 0.00001; TOPMed 0.00001.
gnomAD v4.1: 2 of 1,550,320 alleles (0.00013%); highest among the groups gnomAD compares: African/African-American, 0.0014%; no homozygotes.

Submissions (2):

GeneDx
Classification: Uncertain significance. Last evaluated: 2024-11-04. Review status: criteria provided, single submitter. Criteria: GeneDx Variant Classification Process June 2021. Collection method: clinical testing. Allele origin: germline. Affected: yes.
Comment: Not observed at significant frequency in large population cohorts (gnomAD); In silico analysis indicates that this missense variant does not alter protein structure/function; Has not been previously published as pathogenic or benign to our knowledge

Ambry Genetics
Classification: Uncertain significance for Cardiovascular phenotype. Last evaluated: 2022-08-10. Review status: criteria provided, single submitter. Criteria: Ambry Variant Classification Scheme 2023. Collection method: clinical testing. Allele origin: germline.
Comment: The p.G2329S variant (also known as c.6985G>A), located in coding exon 2 of the ZNF469 gene, results from a G to A substitution at nucleotide position 6985. The glycine at codon 2329 is replaced by serine, an amino acid with similar properties. This amino acid position is conserved. In addition, this alteration is predicted to be tolerated by in silico analysis. Since supporting evidence is limited at this time, the clinical significance of this alteration remains unclear.